The following is an entry in ClinVar:

NM_006030.4(CACNA2D2):c.2425G>A (p.Glu809Lys)

Genes: CACNA2D2 (calcium voltage-gated channel auxiliary subunit alpha2delta 2; minus strand), LOC101928965 (uncharacterized LOC101928965; plus strand), LOC127898564 (CYB561D2-LOC101928965; plus strand). Cytogenetic location: 3p21.31.
Variant type: single nucleotide variant.
Coding change: c.2425G>A on transcript NM_006030.4 (MANE Select); coding-DNA position 2425, G replaced by A.
Protein change: p.Glu809Lys; replaces glutamic acid 809 with lysine.
Molecular consequence: missense variant.
Genome position (GRCh38, 1-based): chr3:50,367,086, C>T on the plus strand (G>A on the coding strand, the complement: CACNA2D2 is on the minus strand). VCF-style: chr3-50367086-C-T. GRCh37 (hg19) VCF-style: chr3-50404517-C-T.
Other names: c.2425G>A, p.Glu809Lys (NM_001005505.3); c.2446G>A, p.Glu816Lys (NM_001174051.3); c.2218G>A, p.Glu740Lys (NM_001291101.1); short protein forms E809K, E816K, E740K.
Identifiers: ClinVar variation 530481 (VCV000530481.7), dbSNP rs1553726058, ClinGen allele CA352912287.
Genomic context (GRCh38, chr3:50,367,086, plus strand): 5'-TGCGCCTGCCTAGGCTGAGCTCCACAGCTGTGCTGACGAGGATGCCCACAGTGTCATTCT[C>T]CAGCTCCAGCGGCCTTAACAGGGCTGGGGGTTGGGTGGGGAAGTCAGGAGTGGGGTCTGG-3'
Protein context (NP_006021.2, residues 799-819): QDALLRPLEL[Glu809Lys]NDTVGILVST

ClinVar aggregate classification (germline): Uncertain significance (1 of 4 stars; one submission).

Conditions:
Early-infantile DEE. Also called: Early infantile epileptic encephalopathy; Early infantile epileptic encephalopathy with suppression bursts; Ohtahara syndrome. Identifiers: Orphanet 1934, MedGen C0393706, MONDO:0800491.

Submission:

Labcorp Genetics (formerly Invitae), Labcorp
Classification: Uncertain significance for Early-infantile DEE. Last evaluated: 2020-03-06. Review status: criteria provided, single submitter. Criteria: Invitae Variant Classification Sherloc (09022015). Collection method: clinical testing. Allele origin: germline.
Comment: In summary, the available evidence is currently insufficient to determine the role of this variant in disease. Therefore, it has been classified as a Variant of Uncertain Significance. Algorithms developed to predict the effect of missense changes on protein structure and function (SIFT, PolyPhen-2, Align-GVGD) all suggest that this variant is likely to be disruptive, but these predictions have not been confirmed by published functional studies and their clinical significance is uncertain. This variant has not been reported in the literature in individuals with CACNA2D2-related disease. This variant is not present in population databases (ExAC no frequency). This sequence change replaces glutamic acid with lysine at codon 809 of the CACNA2D2 protein (p.Glu809Lys). The glutamic acid residue is highly conserved and there is a small physicochemical difference between glutamic acid and lysine.